The following is an entry in ClinVar:

ClinVar aggregate classification (germline): Uncertain significance (1 of 4 stars; one submission).

Conditions:
Long QT syndrome (LQTS). Identifiers: MedGen C0023976, MeSH D008133, MONDO:0002442. Disease mechanism: loss of function. Inheritance: Various modes of inheritance.

Submission:

Labcorp Genetics (formerly Invitae), Labcorp
Classification: Uncertain significance for Long QT syndrome. Last evaluated: 2022-07-06. Review status: criteria provided, single submitter. Criteria: Invitae Variant Classification Sherloc (09022015). Collection method: clinical testing. Allele origin: germline.
Comment: In summary, the available evidence is currently insufficient to determine the role of this variant in disease. Therefore, it has been classified as a Variant of Uncertain Significance. This variant disrupts a region of the KCNH2 protein in which other variant(s) (p.Arg528Trp) have been observed in individuals with KCNH2-related conditions (Invitae). This suggests that this is a clinically significant region of the protein, and that variants that disrupt it are likely to be disease-causing. Experimental studies and prediction algorithms are not available or were not evaluated, and the functional significance of this variant is currently unknown. This variant has not been reported in the literature in individuals affected with KCNH2-related conditions. This variant is not present in population databases (gnomAD no frequency). This variant, c.1573_1590del, results in the deletion of 6 amino acid(s) of the KCNH2 protein (p.Lys525_Leu530del), but otherwise preserves the integrity of the reading frame.

NM_000238.4(KCNH2):c.1573_1590del (p.Lys525_Leu530del)

Gene: KCNH2 (potassium voltage-gated channel subfamily H member 2; minus strand). Cytogenetic location: 7q36.1.
Variant type: Deletion.
Coding change: c.1573_1590del on transcript NM_000238.4 (MANE Select); coding-DNA positions 1573 to 1590, 18 bases deleted (AAGACTGCGCGGCTGCTG).
Protein change: p.Lys525_Leu530del.
Molecular consequence: inframe deletion. On other transcripts: inframe indel (5).
Genome position (GRCh38, 1-based): chr7:150,951,803-150,951,820, CAGCAGCCGCGCAGTCTT deleted on the plus strand (AAGACTGCGCGGCTGCTG on the coding strand, the reverse complement: KCNH2 is on the minus strand); deleting any 18 consecutive bases within chr7:150,951,803-150,951,828 gives the same sequence; the c. name uses the placement nearest the transcript's 3' end. VCF-style (leftmost placement, unchanged base first): chr7-150951802-GCAGCAGCCGCGCAGTCTT-G. GRCh37 (hg19) VCF-style: chr7-150648890-GCAGCAGCCGCGCAGTCTT-G.
Other names: c.553_570del, p.Lys185_Leu190del (NM_001204798.2, NM_172057.3); c.1277_1294del18, p.Lys429_Leu434del (NM_001406753.1, NM_001406756.1); c.1388_1405del18, p.Lys466_Leu471del (NM_001406755.1); c.1265_1282del18, p.Lys425_Leu430del (NM_001406757.1); c.1565_1582del18, p.Lys525_Leu530del (NM_172056.3).
Identifiers: ClinVar variation 2014601 (VCV002014601.4), dbSNP rs2486040157, ClinGen allele CA2580077804.